The following is an entry in ClinVar:

NM_002880.4(RAF1):c.1694A>G (p.Tyr565Cys)

Gene: RAF1 (Raf-1 proto-oncogene, serine/threonine kinase; minus strand). Cytogenetic location: 3p25.2.
Variant type: single nucleotide variant.
Coding change: c.1694A>G on transcript NM_002880.4 (MANE Select); coding-DNA position 1694, A replaced by G.
Protein change: p.Tyr565Cys; replaces tyrosine 565 with cysteine.
Molecular consequence: missense variant. On other transcripts: non-coding transcript variant (3).
Genome position (GRCh38, 1-based): chr3:12,584,956, T>C on the plus strand (A>G on the coding strand, the complement: RAF1 is on the minus strand). VCF-style: chr3-12584956-T-C. GRCh37 (hg19) VCF-style: chr3-12626455-T-C.
Other names: c.1754A>G, p.Tyr585Cys (NM_001354689.3); c.1694A>G, p.Tyr565Cys (NM_001354690.3); c.1451A>G, p.Tyr484Cys (NM_001354691.3, NM_001354692.3); c.1595A>G, p.Tyr532Cys (NM_001354693.3); c.1511A>G, p.Tyr504Cys (NM_001354694.3); c.1352A>G, p.Tyr451Cys (NM_001354695.3); short protein forms Y484C, Y504C, Y565C, Y451C, Y532C, Y585C.
Identifiers: ClinVar variation 639241 (VCV000639241.2), dbSNP rs1575530552, ClinGen allele CA351496946.

ClinVar aggregate classification (germline): Uncertain significance. Review status: criteria provided, multiple submitters, no conflicts (2 of 4 stars). 2 submissions from 2 submitters: Uncertain significance (2). Last evaluated 2022-04-08.

Conditions:
RASopathy. Also called: rasopathies; Noonan spectrum disorder. Identifiers: Orphanet 536391, MedGen C5555857, MONDO:0021060.

gnomAD v4.1: 1 of 1,614,122 alleles (0.000062%); highest among the groups gnomAD compares: Non-Finnish European, 0.000085%; no homozygotes.

Submissions (2):

Blueprint Genetics
Classification: Uncertain significance. Last evaluated: 2022-04-08. Review status: criteria provided, single submitter. Criteria: ACMG Guidelines, 2015. Collection method: clinical testing. Allele origin: germline.

Labcorp Genetics (formerly Invitae), Labcorp
Classification: Uncertain significance for Rasopathy. Last evaluated: 2018-12-18. Review status: criteria provided, single submitter. Criteria: Invitae Variant Classification Sherloc (09022015). Collection method: clinical testing. Allele origin: germline.
Comment: This sequence change replaces tyrosine with cysteine at codon 565 of the RAF1 protein (p.Tyr565Cys). The tyrosine residue is moderately conserved and there is a large physicochemical difference between tyrosine and cysteine. This variant is not present in population databases (ExAC no frequency). This variant has not been reported in the literature in individuals with RAF1-related conditions. Algorithms developed to predict the effect of missense changes on protein structure and function (SIFT, PolyPhen-2, Align-GVGD) all suggest that this variant is likely to be tolerated, but these predictions have not been confirmed by published functional studies and their clinical significance is uncertain. In summary, the available evidence is currently insufficient to determine the role of this variant in disease. Therefore, it has been classified as a Variant of Uncertain Significance.